The following is an entry in ClinVar:

NM_001360.3(DHCR7):c.-195G>T

Gene: DHCR7 (7-dehydrocholesterol reductase; minus strand). Cytogenetic location: 11q13.4.
Variant type: single nucleotide variant.
Coding change: c.-195G>T on transcript NM_001360.3 (MANE Select); 195 bases upstream of the start codon, G replaced by T.
Molecular consequence: 5 prime UTR variant.
Genome position (GRCh38, 1-based): chr11:71,448,353, C>A on the plus strand (G>T on the coding strand, the complement: DHCR7 is on the minus strand). VCF-style: chr11-71448353-C-A. GRCh37 (hg19) VCF-style: chr11-71159399-C-A.
Other names: c.-172G>T (NM_001163817.2).
Identifiers: ClinVar variation 305967 (VCV000305967.35), dbSNP rs141057811, ClinGen allele CA10639335.

ClinVar aggregate classification (germline): Conflicting classifications of pathogenicity. Review status: criteria provided, conflicting classifications (1 of 4 stars). 4 submissions from 4 submitters: Uncertain significance (1); Benign (1); Likely benign (1). 1 of the submissions does not count toward it. Last evaluated 2024-04-01.

Conditions:
Smith-Lemli-Opitz syndrome (SLOS). Also called: LETHAL ACRODYSGENITAL SYNDROME; POLYDACTYLY, SEX REVERSAL, RENAL HYPOPLASIA, AND UNILOBAR LUNG; RSH SYNDROME; RUTLEDGE LETHAL MULTIPLE CONGENITAL ANOMALY SYNDROME; 7-Dehydrocholesterol reductase deficiency. Identifiers: Orphanet 818, MedGen C0175694, MONDO:0010035, OMIM 270400.

Allele frequency attached by ClinVar (database versions not stated): gnomAD exomes 0.00437; 1000 Genomes Project 0.00479; 1000 Genomes Project 30x 0.00640; gnomAD 0.00755; TOPMed 0.00824.

Submissions (4):

CeGaT Center for Human Genetics Tuebingen
Classification: Benign. Last evaluated: 2024-04-01. Review status: criteria provided, single submitter. Criteria: CeGaT Center For Human Genetics Tuebingen Variant Classification Criteria Version 2. Collection method: clinical testing. Allele origin: germline. Affected: yes. Observed: 7 variant alleles.
Comment: DHCR7: BS1, BS2

GeneDx
Classification: Likely benign. Last evaluated: 2021-05-20. Review status: criteria provided, single submitter. Criteria: GeneDx Variant Classification Process June 2021. Collection method: clinical testing. Allele origin: germline. Affected: yes.

Illumina Laboratory Services, Illumina
Classification: Uncertain significance for Smith-Lemli-Opitz syndrome. Last evaluated: 2018-01-13. Review status: criteria provided, single submitter. Criteria: ICSL Variant Classification Criteria 13 December 2019. Collection method: clinical testing. Allele origin: germline.

Natera, Inc.
Classification: Benign for Smith-Lemli-Opitz syndrome. Last evaluated: 2020-04-17. Review status: no assertion criteria provided. Collection method: clinical testing. Allele origin: germline. Not counted in ClinVar's aggregate classification.